The following is an entry in ClinVar:

NM_005876.5(SPEG):c.1397G>T (p.Arg466Leu)

Gene: SPEG (striated muscle enriched protein kinase; plus strand). Cytogenetic location: 2q35.
Variant type: single nucleotide variant.
Coding change: c.1397G>T on transcript NM_005876.5 (MANE Select); coding-DNA position 1397, G replaced by T.
Protein change: p.Arg466Leu; replaces arginine 466 with leucine.
Molecular consequence: missense variant.
Genome position (GRCh38, 1-based): chr2:219,448,555, G>T. VCF-style: chr2-219448555-G-T. GRCh37 (hg19) VCF-style: chr2-220313277-G-T.
Other names: c.1397G>T (NM_005876.4); short protein forms R466L.
Identifiers: ClinVar variation 2168566 (VCV002168566.2), dbSNP rs906765538, ClinGen allele CA66004531.
Genomic context (GRCh38, chr2:219,448,555, plus strand): 5'-CGTGGGGCACCCCCGGGGCCTCGCAGGAAGAACTGCGGGCGCCAGGCAGCGTGGCCGAGC[G>T]GCGCCGCCTGTTCCAGCAGAAAGCGGCCTCGCTGGACGAGCGCACGCGTCAGCGCAGCCC-3'
Protein context (NP_005867.3, residues 456-476): ELRAPGSVAE[Arg466Leu]RRLFQQKAAS

ClinVar aggregate classification (germline): Uncertain significance. Review status: criteria provided, multiple submitters, no conflicts (2 of 4 stars). 2 submissions from 2 submitters: Uncertain significance (2). Last evaluated 2024-09-10.

Conditions:
Inborn genetic diseases. Identifiers: MedGen C0950123, MeSH D030342.

Allele frequency attached by ClinVar (database versions not stated): gnomAD 0.00004; TOPMed 0.00010.
gnomAD v4.1: 20 of 1,446,270 alleles (0.0014%); highest among the groups gnomAD compares: Admixed American, 0.017%; no homozygotes.

Submissions (2):

Ambry Genetics
Classification: Uncertain significance for Inborn genetic diseases. Last evaluated: 2024-09-10. Review status: criteria provided, single submitter. Criteria: Ambry Variant Classification Scheme 2023. Collection method: clinical testing. Allele origin: germline.

Labcorp Genetics (formerly Invitae), Labcorp
Classification: Uncertain significance. Last evaluated: 2022-07-26. Review status: criteria provided, single submitter. Criteria: Invitae Variant Classification Sherloc (09022015). Collection method: clinical testing. Allele origin: germline.
Comment: This sequence change replaces arginine, which is basic and polar, with leucine, which is neutral and non-polar, at codon 466 of the SPEG protein (p.Arg466Leu). The frequency data for this variant in the population databases is considered unreliable, as metrics indicate poor data quality at this position in the gnomAD database. This variant has not been reported in the literature in individuals affected with SPEG-related conditions. Algorithms developed to predict the effect of missense changes on protein structure and function are either unavailable or do not agree on the potential impact of this missense change (SIFT: "Deleterious"; PolyPhen-2: "Possibly Damaging"; Align-GVGD: "Class C0"). In summary, the available evidence is currently insufficient to determine the role of this variant in disease. Therefore, it has been classified as a Variant of Uncertain Significance.